The following is an entry in ClinVar:

ClinVar aggregate classification (germline): Uncertain significance. Review status: criteria provided, multiple submitters, no conflicts (2 of 4 stars). 2 submissions from 2 submitters: Uncertain significance (2). Last evaluated 2023-06-28.

Allele frequency attached by ClinVar (database versions not stated): ExAC 0.00001; gnomAD 0.00002; TOPMed 0.00002.
gnomAD v4.1: 10 of 1,613,572 alleles (0.00062%); highest among the groups gnomAD compares: African/African-American, 0.004%; no homozygotes.

Submissions (2):

Labcorp Genetics (formerly Invitae), Labcorp
Classification: Uncertain significance. Last evaluated: 2023-06-28. Review status: criteria provided, single submitter. Criteria: Invitae Variant Classification Sherloc (09022015). Collection method: clinical testing. Allele origin: germline.
Comment: This sequence change replaces serine, which is neutral and polar, with leucine, which is neutral and non-polar, at codon 192 of the PITPNM3 protein (p.Ser192Leu). This variant is present in population databases (rs774376937, gnomAD 0.002%). This variant has not been reported in the literature in individuals affected with PITPNM3-related conditions. Advanced modeling of protein sequence and biophysical properties (such as structural, functional, and spatial information, amino acid conservation, physicochemical variation, residue mobility, and thermodynamic stability) performed at Invitae indicates that this missense variant is not expected to disrupt PITPNM3 protein function. In summary, the available evidence is currently insufficient to determine the role of this variant in disease. Therefore, it has been classified as a Variant of Uncertain Significance.

Ambry Genetics
Classification: Uncertain significance. Last evaluated: 2023-04-26. Review status: criteria provided, single submitter. Criteria: Ambry Variant Classification Scheme 2023. Collection method: clinical testing. Allele origin: germline.

NM_031220.4(PITPNM3):c.575C>T (p.Ser192Leu)

Gene: PITPNM3 (PITPNM family member 3; minus strand). Cytogenetic location: 17p13.2.
Variant type: single nucleotide variant.
Coding change: c.575C>T on transcript NM_031220.4 (MANE Select); coding-DNA position 575, C replaced by T.
Protein change: p.Ser192Leu; replaces serine 192 with leucine.
Molecular consequence: missense variant.
Genome position (GRCh38, 1-based): chr17:6,483,529, G>A on the plus strand (C>T on the coding strand, the complement: PITPNM3 is on the minus strand). VCF-style: chr17-6483529-G-A. GRCh37 (hg19) VCF-style: chr17-6386849-G-A.
Other names: c.467C>T, p.Ser156Leu (NM_001165966.2); short protein forms S156L, S192L.
Identifiers: ClinVar variation 2507982 (VCV002507982.5), dbSNP rs774376937, ClinGen allele CA8329797.
Genomic context (GRCh38, chr17:6,483,529, plus strand): 5'-GTTCCCCCACCAACCCCAACCAGTTCAAACAAGCAGAAATGGACTCACTGAGAGACAAGC[G>A]AGAAAGCCTCAGAGCAGATGGCAGGACAGGGGACGAACTTGATGAGGATGTGGCCCAGGG-3'
Protein context (NP_112497.2, residues 182-202): PCPAICSEAF[Ser192Leu]LVSHLNPYSH